The following is an entry in ClinVar:

ClinVar aggregate classification (germline): Likely benign (0 of 4 stars; one submission).

Conditions:
ADCY3-related disorder. Also called: ADCY3-related condition.

gnomAD v4.1: 3 of 1,533,754 alleles (0.0002%); highest among the groups gnomAD compares: Admixed American, 0.0021%; no homozygotes.

Submission:

PreventionGenetics, part of Exact Sciences
Classification: Likely benign for ADCY3-related condition. Last evaluated: 2023-11-01. Review status: no assertion criteria provided. Collection method: clinical testing. Allele origin: germline.
Comment: This variant is classified as likely benign based on ACMG/AMP sequence variant interpretation guidelines (Richards et al. 2015 PMID: 25741868, with internal and published modifications).

NM_004036.5(ADCY3):c.3253-8C>T

Genes: ADCY3 (adenylate cyclase 3; minus strand), CENPO (centromere protein O; plus strand). Cytogenetic location: 2p23.3.
Variant type: single nucleotide variant.
Coding change: c.3253-8C>T on transcript NM_004036.5 (MANE Select); 8 bases into the intron before coding-DNA position 3253, C replaced by T.
Molecular consequence: intron variant. On other transcripts: 3 prime UTR variant (3), non-coding transcript variant (3).
Genome position (GRCh38, 1-based): chr2:24,820,122, G>A on the plus strand (C>T on the coding strand, the complement: ADCY3 is on the minus strand). VCF-style: chr2-24820122-G-A. GRCh37 (hg19) VCF-style: chr2-25042991-G-A.
Other names: c.*804G>A (NM_001199803.3, NM_001322101.2, NM_024322.4); c.2769-8C>T (NM_001377130.1); c.3115-8C>T (NM_001377129.1); c.3256-8C>T (NM_001320613.2); c.3319-8C>T (NM_001377128.1); c.3253-8C>T (NM_001377132.1); c.2530-8C>T (NM_001377131.1).
Identifiers: ClinVar variation 3356639 (VCV003356639.1).
Genomic context (GRCh38, chr2:24,820,122, plus strand): 5'-CTCACAAAGCGGAAGCCGTACTCTCGGAGGATGACTTGGGTTTCTTCTACCACCTGGAGA[G>A]GGAGGGGGAGCAAGAACGTGGCGTTACGGGGGGAGCCTAGACTGAGGGCGGGTGGGGGCT-3'